The following is an entry in ClinVar:

ClinVar aggregate classification (germline): Conflicting classifications of pathogenicity. Review status: criteria provided, conflicting classifications (1 of 4 stars). 4 submissions from 4 submitters: Uncertain significance (2); Benign (2). Last evaluated 2026-07-01.

Conditions:
UROD-related disorder. Also called: UROD-related disorders; UROD-related condition.
Familial porphyria cutanea tarda (PCT). Also called: PCT, ''FAMILIAL'' TYPE; PCT, TYPE II; PORPHYRIA CUTANEA TARDA, TYPE II; PORPHYRIA, HEPATOCUTANEOUS TYPE; UROD DEFICIENCY; UROPORPHYRINOGEN DECARBOXYLASE DEFICIENCY. Identifiers: Orphanet 101330, Orphanet 443062, MedGen C0268323, MONDO:0008296, OMIM 176100.

Allele frequency attached by ClinVar (database versions not stated): 1000 Genomes Project 0.00100; 1000 Genomes Project 30x 0.00141; TOPMed 0.00575.

Submissions (4):

CeGaT Center for Human Genetics Tuebingen
Classification: Benign. Last evaluated: 2026-07-01. Review status: criteria provided, single submitter. Criteria: CeGaT Center For Human Genetics Tuebingen Variant Classification Criteria Version 2. Collection method: clinical testing. Allele origin: germline. Affected: yes. Observed: 3 variant alleles.
Comment: UROD: BS1, BS2

PreventionGenetics, part of Exact Sciences
Classification: Benign for UROD-related condition. Last evaluated: 2025-05-27. Review status: criteria provided, single submitter. Criteria: ACMG Guidelines, 2015. Collection method: clinical testing. Allele origin: germline.
Comment: This variant is classified as benign based on ACMG/AMP sequence variant interpretation guidelines (Richards et al. 2015 PMID: 25741868, with internal and published modifications).

Illumina Laboratory Services, Illumina
Classification: Uncertain significance for Familial porphyria cutanea tarda. Last evaluated: 2017-04-27. Review status: criteria provided, single submitter. Criteria: ICSL Variant Classification Criteria 13 December 2019. Collection method: clinical testing. Allele origin: germline.
Comment: This variant was observed as part of a predisposition screen in an ostensibly healthy population. A literature search was performed for the gene, cDNA change, and amino acid change (where applicable). Publications were found based on this search. However, the evidence from the literature, in combination with allele frequency data from public databases where available, was not sufficient to rule this variant in or out of causing disease. Therefore, this variant is classified as a variant of unknown significance.

Breakthrough Genomics
Classification: Uncertain significance. Review status: criteria provided, single submitter. Criteria: ACMG Guidelines, 2015. Collection method: not provided. Allele origin: germline. Inheritance: Autosomal recessive inheritance. Affected: yes.

Literature cited by the submitters: PubMed 19233912 (cited by Illumina Laboratory Services, Illumina).

NM_000374.5(UROD):c.*70G>A

Gene: UROD (uroporphyrinogen decarboxylase; plus strand). Cytogenetic location: 1p34.1.
Variant type: single nucleotide variant.
Coding change: c.*70G>A on transcript NM_000374.5 (MANE Select); 70 bases downstream of the stop codon, G replaced by A.
Molecular consequence: 3 prime UTR variant. On other transcripts: non-coding transcript variant (3).
Genome position (GRCh38, 1-based): chr1:45,015,568, G>A. VCF-style: chr1-45015568-G-A. GRCh37 (hg19) VCF-style: chr1-45481240-G-A.
Identifiers: ClinVar variation 876226 (VCV000876226.30), dbSNP rs41269105, ClinGen allele CA825442.